The following is an entry in ClinVar:

NM_001457.4(FLNB):c.2974C>G (p.Leu992Val)

Gene: FLNB (filamin B; plus strand). Cytogenetic location: 3p14.3.
Variant type: single nucleotide variant.
Coding change: c.2974C>G on transcript NM_001457.4 (MANE Select); coding-DNA position 2974, C replaced by G.
Protein change: p.Leu992Val; replaces leucine 992 with valine.
Molecular consequence: missense variant.
Genome position (GRCh38, 1-based): chr3:58,121,351, C>G. VCF-style: chr3-58121351-C-G. GRCh37 (hg19) VCF-style: chr3-58107078-C-G.
Other names: c.2974C>G, p.Leu992Val (NM_001164317.2, NM_001164318.2, NM_001164319.2); short protein forms L992V.
Identifiers: ClinVar variation 1487694 (VCV001487694.6), dbSNP rs2107167346, ClinGen allele CA353347500.

ClinVar aggregate classification (germline): Uncertain significance (1 of 4 stars; one submission).

gnomAD v4.1: 1 of 1,614,188 alleles (0.000062%); no homozygotes.

Submission:

Labcorp Genetics (formerly Invitae), Labcorp
Classification: Uncertain significance. Last evaluated: 2021-12-08. Review status: criteria provided, single submitter. Criteria: Invitae Variant Classification Sherloc (09022015). Collection method: clinical testing. Allele origin: germline.
Comment: This variant has not been reported in the literature in individuals affected with FLNB-related conditions. In summary, the available evidence is currently insufficient to determine the role of this variant in disease. Therefore, it has been classified as a Variant of Uncertain Significance. Advanced modeling of protein sequence and biophysical properties (such as structural, functional, and spatial information, amino acid conservation, physicochemical variation, residue mobility, and thermodynamic stability) performed at Invitae indicates that this missense variant is not expected to disrupt FLNB protein function. This variant is not present in population databases (gnomAD no frequency). This sequence change replaces leucine, which is neutral and non-polar, with valine, which is neutral and non-polar, at codon 992 of the FLNB protein (p.Leu992Val).